The following is an entry in ClinVar:

NM_001035.3(RYR2):c.11822G>C (p.Trp3941Ser)

Gene: RYR2 (ryanodine receptor 2; plus strand). Cytogenetic location: 1q43.
Variant type: single nucleotide variant.
Coding change: c.11822G>C on transcript NM_001035.3 (MANE Select); coding-DNA position 11822, G replaced by C.
Protein change: p.Trp3941Ser; replaces tryptophan 3941 with serine.
Molecular consequence: missense variant.
Genome position (GRCh38, 1-based): chr1:237,778,712, G>C. VCF-style: chr1-237778712-G-C. GRCh37 (hg19) VCF-style: chr1-237942012-G-C.
Other names: short protein forms W3941S.
Identifiers: ClinVar variation 921972 (VCV000921972.4), dbSNP rs1694860715, ClinGen allele CA345409232.

ClinVar aggregate classification (germline): Uncertain significance (1 of 4 stars; one submission).

Conditions:
Cardiomyopathy (CMYO). Also called: Cardiomyopathies. Identifiers: Orphanet 167848, MedGen C0878544, MONDO:0004994, HP:0001638. Inheritance: Various modes of inheritance.

Submission:

Color Diagnostics, LLC DBA Color Health
Classification: Uncertain significance for Cardiomyopathy. Last evaluated: 2024-03-06. Review status: criteria provided, single submitter. Criteria: ACMG Guidelines, 2015. Collection method: clinical testing. Allele origin: germline.
Comment: This missense variant replaces tryptophan with serine at codon 3941 of the RYR2 protein. Computational prediction suggests that this variant may have deleterious impact on protein structure and function (internally defined REVEL score threshold >= 0.7, PMID: 27666373). Splice site prediction tools suggest that this variant may not impact RNA splicing. To our knowledge, functional studies have not been performed for this variant. This variant has not been reported in individuals affected with cardiovascular disorders in the literature. This variant has not been identified in the general population by the Genome Aggregation Database (gnomAD). The available evidence is insufficient to determine the role of this variant in disease conclusively. Therefore, this variant is classified as a Variant of Uncertain Significance.